The following is an entry in ClinVar:

ClinVar aggregate classification (germline): Pathogenic. Review status: reviewed by expert panel (3 of 4 stars). 11 submissions from 11 submitters: Pathogenic (1). 10 of the submissions do not count toward it. Last evaluated 2016-09-08.

Conditions:
Hereditary cancer-predisposing syndrome. Also called: Tumor predisposition; Neoplastic Syndromes, Hereditary; Hereditary neoplastic syndrome; Hereditary Cancer Syndrome. Identifiers: Orphanet 140162, MedGen C0027672, MeSH D009386, MONDO:0015356.
Hereditary breast ovarian cancer syndrome. Also called: Hereditary breast and ovarian cancer; Hereditary breast and ovarian cancer syndrome (HBOC); Hereditary breast and/or ovarian cancer syndrome; Breast and ovarian cancer; Hereditary breast and ovarian cancer syndrome; BRCA1- and BRCA2-Associated Hereditary Breast and Ovarian Cancer. Identifiers: Orphanet 145, MedGen C0677776, MeSH D061325, MONDO:0003582. Disease mechanism: loss of function.
Breast-ovarian cancer, familial, susceptibility to, 2 (BROVCA2). Also called: BRCA2 Hereditary Breast and Ovarian Cancer. Identifiers: Orphanet 145, MedGen C2675520, MONDO:0012933, OMIM 612555. Disease mechanism: loss of function.
Familial cancer of breast. Also called: Hereditary breast cancer; BREAST CANCER, FAMILIAL; hereditary breast carcinoma. Identifiers: Orphanet 227535, MedGen C0346153, MONDO:0016419, OMIM 114480. Disease mechanism: loss of function.

Submissions (11):

Evidence-based Network for the Interpretation of Germline Mutant Alleles (ENIGMA)
Classification: Pathogenic for Breast-ovarian cancer, familial, susceptibility to, 2. Last evaluated: 2016-09-08. Review status: reviewed by expert panel. Criteria: ENIGMA BRCA1/2 Classification Criteria (2015). Collection method: curation. Allele origin: germline.
Comment: Variant allele predicted to encode a truncated non-functional protein.

Labcorp Genetics (formerly Invitae), Labcorp
Classification: Pathogenic for Hereditary breast ovarian cancer syndrome. Last evaluated: 2025-09-04. Review status: criteria provided, single submitter. Criteria: Invitae Variant Classification Sherloc (09022015). Collection method: clinical testing. Allele origin: germline. Not counted in ClinVar's aggregate classification.
Comment: This sequence change creates a premature translational stop signal (p.Leu809*) in the BRCA2 gene. It is expected to result in an absent or disrupted protein product. Loss-of-function variants in BRCA2 are known to be pathogenic (PMID: 20104584). This variant is not present in population databases (gnomAD no frequency). This premature translational stop signal has been observed in individual(s) with breast cancer and pancreatic cancer (PMID: 15728167, 26681312). ClinVar contains an entry for this variant (Variation ID: 37786). For these reasons, this variant has been classified as Pathogenic.

Quest Diagnostics Nichols Institute San Juan Capistrano
Classification: Pathogenic. Last evaluated: 2025-05-14. Review status: criteria provided, single submitter. Criteria: Quest Diagnostics criteria. Collection method: clinical testing. Allele origin: unknown. Not counted in ClinVar's aggregate classification.
Comment: The BRCA2 c.2426T>G (p.Leu809*) variant causes the premature termination of BRCA2 protein synthesis. This variant has been reported in the published literature in individuals with breast and/or ovarian cancer (PMID: 15728167 (2005), 25186627 (2015)) and pancreatic cancer (PMID: 26681312 (2015), 30051098 (2018)). This variant has not been reported in large, multi-ethnic general populations (Genome Aggregation Database). Based on the available information, this variant is classified as pathogenic.

Women's Health and Genetics/Laboratory Corporation of America, LabCorp
Classification: Pathogenic for Hereditary breast ovarian cancer syndrome. Last evaluated: 2025-04-09. Review status: criteria provided, single submitter. Criteria: LabCorp Variant Classification Summary - May 2015. Collection method: clinical testing. Allele origin: germline. Not counted in ClinVar's aggregate classification.
Comment: Variant summary: BRCA2 c.2426T>G (p.Leu809X) results in a premature termination codon, predicted to cause a truncation of the encoded protein or absence of the protein due to nonsense mediated decay, which are commonly known mechanisms for disease. The variant was absent in 245558 control chromosomes. c.2426T>G has been reported in the literature in individuals affected with Hereditary Breast And Ovarian Cancer Syndrome (example: Tung_2014, Susswein_2015, Claus_2005). The following publications have been ascertained in the context of this evaluation (PMID: 15728167, 25186627, 26681312). ClinVar contains an entry for this variant (Variation ID: 37786). Based on the evidence outlined above, the variant was classified as pathogenic.

Baylor Genetics
Classification: Pathogenic for Familial cancer of breast. Last evaluated: 2024-01-16. Review status: criteria provided, single submitter. Criteria: ACMG Guidelines, 2015. Collection method: clinical testing. Allele origin: unknown. Not counted in ClinVar's aggregate classification.

All of Us Research Program, National Institutes of Health
Classification: Pathogenic for Breast-ovarian cancer, familial, susceptibility to, 2. Last evaluated: 2023-06-08. Review status: criteria provided, single submitter. Criteria: ACMG Guidelines, 2015. Collection method: clinical testing. Allele origin: germline. Inheritance: Autosomal dominant inheritance. Observed: 1 variant allele, 1 heterozygote. Not counted in ClinVar's aggregate classification.
Comment: This variant changes 1 nucleotide in exon 11 of the BRCA2 gene, creating a premature translation stop signal. This variant is expected to result in an absent or non-functional protein product. This variant has been reported in individuals affected with breast and ovarian cancer or pancreatic cancer (PMID: 25186627, 26681312, 30051098). This variant has not been identified in the general population by the Genome Aggregation Database (gnomAD). Loss of BRCA2 function is a known mechanism of disease. Based on the available evidence, this variant is classified as Pathogenic.

This study involves interpretation of variants in research participants for the purpose of population health screening. Participant phenotype was not available at the time of variant classification. Additional details can be found in publication PMID: 35346344, PMCID: PMC8962531

Color Diagnostics, LLC DBA Color Health
Classification: Pathogenic for Hereditary cancer-predisposing syndrome. Last evaluated: 2023-03-22. Review status: criteria provided, single submitter. Criteria: ACMG Guidelines, 2015. Collection method: clinical testing. Allele origin: germline. Not counted in ClinVar's aggregate classification.
Comment: This variant changes 1 nucleotide in exon 11 of the BRCA2 gene, creating a premature translation stop signal. This variant is expected to result in an absent or non-functional protein product. This variant has been reported in individuals affected with breast and ovarian cancer or pancreatic cancer (PMID: 25186627, 26681312, 30051098). This variant has not been identified in the general population by the Genome Aggregation Database (gnomAD). Loss of BRCA2 function is a known mechanism of disease. Based on the available evidence, this variant is classified as Pathogenic.

Ambry Genetics
Classification: Pathogenic for Hereditary cancer-predisposing syndrome. Last evaluated: 2022-11-22. Review status: criteria provided, single submitter. Criteria: Ambry Variant Classification Scheme 2023. Collection method: clinical testing. Allele origin: germline. Not counted in ClinVar's aggregate classification.
Comment: The p.L809* pathogenic mutation (also known as c.2426T>G), located in coding exon 10 of the BRCA2 gene, results from a T to G substitution at nucleotide position 2426. This changes the amino acid from a leucine to a stop codon within coding exon 10. This alteration has been reported in an individual with bilateral breast cancer, in an individual with early-onset breast cancer and ovarian cancer, and in an individual with pancreatic cancer in cohorts referred for clinical testing (Claus EB et al. JAMA. 2005 Feb;293:964-9; Tung N et al. Cancer 2015 Jan;121(1):25-33; Susswein LR et al. Genet. Med. 2016 Aug;18:823-32). In addition to the clinical data presented in the literature, this alteration is expected to result in loss of function by premature protein truncation or nonsense-mediated mRNA decay. As such, this alteration is interpreted as a disease-causing mutation.

GeneDx
Classification: Pathogenic. Last evaluated: 2019-01-16. Review status: criteria provided, single submitter. Criteria: GeneDx Variant Classification (06012015). Collection method: clinical testing. Allele origin: germline. Affected: yes. Not counted in ClinVar's aggregate classification.
Comment: This variant is denoted BRCA2 c.2426T>G at the cDNA level and p.Leu809Ter (L809X) at the protein level. The substitution creates a nonsense variant, changing a Leucine to a premature stop codon (TTA>TGA). This variant is predicted to cause loss of normal protein function through either protein truncation or nonsense-mediated mRNA decay. This variant, also known as 2654T>G using alternate nomenclature, has been reported in association with breast cancer (Claus 2005). We therefore consider this variant to be pathogenic.

Research Molecular Genetics Laboratory, Women's College Hospital, University of Toronto
Classification: Pathogenic for Hereditary breast ovarian cancer syndrome. Last evaluated: 2014-01-31. Review status: no assertion criteria provided. Collection method: research. Allele origin: germline. Affected: yes. Study: The Canadian Open Genetics Repository (COGR). Not counted in ClinVar's aggregate classification.

Sharing Clinical Reports Project (SCRP)
Classification: Pathogenic for Breast-ovarian cancer, familial 2. Last evaluated: 2010-05-18. Review status: no assertion criteria provided. Collection method: clinical testing. Allele origin: germline. Not counted in ClinVar's aggregate classification.

Literature cited by the submitters: PubMed 20104584 (cited by Labcorp Genetics (formerly Invitae), Labcorp); PubMed 15728167 (cited by 4 submitters); PubMed 26681312 (cited by 6 submitters); PubMed 25186627 (cited by 5 submitters); PubMed 37461096 (cited by Quest Diagnostics Nichols Institute San Juan Capistrano); PubMed 30051098 (cited by 3 submitters); PubMed 26295337 (cited by Quest Diagnostics Nichols Institute San Juan Capistrano); PubMed 25525159 (cited by Ambry Genetics).

NM_000059.4(BRCA2):c.2426T>G (p.Leu809Ter)

Gene: BRCA2 (BRCA2 DNA repair associated; plus strand). Cytogenetic location: 13q13.1.
Variant type: single nucleotide variant.
Coding change: c.2426T>G on transcript NM_000059.4 (MANE Select); coding-DNA position 2426, T replaced by G.
Protein change: p.Leu809Ter; replaces leucine 809 with a stop codon.
Molecular consequence: nonsense.
Genome position (GRCh38, 1-based): chr13:32,336,781, T>G. VCF-style: chr13-32336781-T-G. GRCh37 (hg19) VCF-style: chr13-32910918-T-G.
Other names: p.L809*:TTA>TGA; 2654T>G; short protein forms L809*.
Identifiers: ClinVar variation 37786 (VCV000037786.31), dbSNP rs397507285, ClinGen allele CA015222.